The following is an entry in ClinVar:

ClinVar aggregate classification (germline): Uncertain significance. Review status: criteria provided, multiple submitters, no conflicts (2 of 4 stars). 2 submissions from 2 submitters: Uncertain significance (2). Last evaluated 2025-03-16.

Conditions:
Cardiovascular phenotype. Identifiers: MedGen CN230736.
Long QT syndrome (LQTS). Identifiers: MedGen C0023976, MeSH D008133, MONDO:0002442. Disease mechanism: loss of function. Inheritance: Various modes of inheritance.

Allele frequency attached by ClinVar (database versions not stated): gnomAD exomes below 0.00001; ExAC 0.00001; gnomAD 0.00001; TOPMed 0.00001; 1000 Genomes Project 30x 0.00016; 1000 Genomes Project 0.00020.
gnomAD v4.1: 9 of 1,613,812 alleles (0.00056%); highest among the groups gnomAD compares: Middle Eastern, 0.016%; no homozygotes.

Submissions (2):

Labcorp Genetics (formerly Invitae), Labcorp
Classification: Uncertain significance for Long QT syndrome. Last evaluated: 2025-03-16. Review status: criteria provided, single submitter. Criteria: Invitae Variant Classification Sherloc (09022015). Collection method: clinical testing. Allele origin: germline.
Comment: This sequence change replaces histidine, which is basic and polar, with tyrosine, which is neutral and polar, at codon 1943 of the CACNA1C protein (p.His1943Tyr). This variant is present in population databases (rs200666365, gnomAD 0.004%). This variant has not been reported in the literature in individuals affected with CACNA1C-related conditions. ClinVar contains an entry for this variant (Variation ID: 519485). Invitae Evidence Modeling of protein sequence and biophysical properties (such as structural, functional, and spatial information, amino acid conservation, physicochemical variation, residue mobility, and thermodynamic stability) indicates that this missense variant is not expected to disrupt CACNA1C protein function with a negative predictive value of 95%. In summary, the available evidence is currently insufficient to determine the role of this variant in disease. Therefore, it has been classified as a Variant of Uncertain Significance.

Ambry Genetics
Classification: Uncertain significance for Cardiovascular phenotype. Last evaluated: 2020-11-24. Review status: criteria provided, single submitter. Criteria: Ambry Variant Classification Scheme 2023. Collection method: clinical testing. Allele origin: germline.
Comment: The p.H1943Y variant (also known as c.5827C>T), located in coding exon 46 of the CACNA1C gene, results from a C to T substitution at nucleotide position 5827. The histidine at codon 1943 is replaced by tyrosine, an amino acid with similar properties. This amino acid position is well conserved in available vertebrate species. In addition, this alteration is predicted to be tolerated by in silico analysis. Since supporting evidence is limited at this time, the clinical significance of this alteration remains unclear.

NM_000719.7(CACNA1C):c.5827C>T (p.His1943Tyr)

Genes: CACNA1C (calcium voltage-gated channel subunit alpha1 C; plus strand), CACNA1C-AS1 (CACNA1C antisense RNA 1; minus strand). Cytogenetic location: 12p13.33.
Variant type: single nucleotide variant.
Coding change: c.5827C>T on transcript NM_000719.7 (MANE Select); coding-DNA position 5827, C replaced by T.
Protein change: p.His1943Tyr; replaces histidine 1943 with tyrosine.
Molecular consequence: missense variant.
Genome position (GRCh38, 1-based): chr12:2,688,489, C>T. VCF-style: chr12-2688489-C-T. GRCh37 (hg19) VCF-style: chr12-2797655-C-T.
Other names: c.5971C>T, p.His1991Tyr (NM_001129827.2); c.5950C>T, p.His1984Tyr (NM_001129829.2); c.5932C>T, p.His1978Tyr (NM_001129830.3, NM_001167624.3); c.5911C>T, p.His1971Tyr (NM_001129831.2); c.5887C>T, p.His1963Tyr (NM_001129832.2); c.5884C>T, p.His1962Tyr (NM_001129833.2, NM_001129834.2, NM_001129835.2); c.5878C>T, p.His1960Tyr (NM_001129836.2); c.5851C>T, p.His1951Tyr (NM_001129837.2, NM_001129838.2); and 6 more; short protein forms H1943Y, H1978Y, H1991Y, H1940Y, H2026Y, H1949Y, H1984Y, H1932Y.
Identifiers: ClinVar variation 519485 (VCV000519485.14), dbSNP rs200666365, ClinGen allele CA6390001.
Genomic context (GRCh38, chr12:2,688,489, plus strand): 5'-CTCCTTGTGTGTCCGCAGGCATTGGCAGTGGCAGGCCTGAGCCCCCTCCTCCAGAGAAGC[C>T]ATTCCCCTGCCTCATTCCCTAGGCCTTTTGCCACCCCACCAGCCACACCTGGCAGCCGAG-3'
Protein context (NP_000710.5, residues 1933-1953): AGLSPLLQRS[His1943Tyr]SPASFPRPFA